The following is an entry in ClinVar:

NM_001384140.1(PCDH15):c.1591-68G>A

Gene: PCDH15 (protocadherin related 15; minus strand). Cytogenetic location: 10q21.1.
Variant type: single nucleotide variant.
Coding change: c.1591-68G>A on transcript NM_001384140.1 (MANE Select); 68 bases into the intron before coding-DNA position 1591, G replaced by A.
Molecular consequence: intron variant.
Genome position (GRCh38, 1-based): chr10:54,153,361, C>T on the plus strand (G>A on the coding strand, the complement: PCDH15 is on the minus strand). VCF-style: chr10-54153361-C-T. GRCh37 (hg19) VCF-style: chr10-55913121-C-T.
Other names: c.1612-68G>A (NM_001354411.2); c.1627-68G>A (NM_001142769.3); c.1525-68G>A (NM_001354404.2, NM_001142773.2, NM_001142768.2); c.1480-68G>A (NM_001142767.2); c.1591-68G>A (NM_001142765.2, NM_001142766.2, NM_033056.4 and 6 more transcripts); c.1606-68G>A (NM_001142763.2, NM_001142771.2).
Identifiers: ClinVar variation 678852 (VCV000678852.5), dbSNP rs41274632, ClinGen allele CA13353057.

ClinVar aggregate classification (germline): Benign. Review status: criteria provided, multiple submitters, no conflicts (2 of 4 stars). 3 submissions from 3 submitters: Benign (3). Last evaluated 2021-07-01.

Conditions:
Usher syndrome type 1F (USH1F). Also called: USHER SYNDROME, TYPE IF. Identifiers: Orphanet 231169, Orphanet 886, MedGen C1865885, MONDO:0011186, OMIM 602083.

Allele frequency attached by ClinVar (database versions not stated): 1000 Genomes Project 30x 0.10337; gnomAD 0.07144 and 0.07262; gnomAD exomes 0.02524; 1000 Genomes Project 0.10144; TOPMed 0.07899.
gnomAD v4.1: 46,708 of 1,542,716 alleles (3%); highest among the groups gnomAD compares: African/African-American, 20%; 2,406 homozygotes.

Submissions (3):

Genome-Nilou Lab
Classification: Benign for Usher syndrome type 1F. Last evaluated: 2021-07-01. Review status: criteria provided, single submitter. Criteria: ACMG Guidelines, 2015. Collection method: clinical testing. Allele origin: germline. Affected: no.

GeneDx
Classification: Benign. Last evaluated: 2018-06-16. Review status: criteria provided, single submitter. Criteria: GeneDx Variant Classification (06012015). Collection method: clinical testing. Allele origin: germline. Affected: yes.
Comment: This variant is considered likely benign or benign based on one or more of the following criteria: it is a conservative change, it occurs at a poorly conserved position in the protein, it is predicted to be benign by multiple in silico algorithms, and/or has population frequency not consistent with disease.

Breakthrough Genomics
Classification: Benign. Review status: criteria provided, single submitter. Criteria: ACMG Guidelines, 2015. Collection method: not provided. Allele origin: germline. Inheritance: Autosomal recessive inheritance. Affected: yes.